The following is an entry in ClinVar:

ClinVar aggregate classification (germline): Benign/Likely benign. Review status: criteria provided, multiple submitters, no conflicts (2 of 4 stars). 4 submissions from 4 submitters: Benign (1); Likely benign (3). Last evaluated 2025-10-26.

Conditions:
Multiple endocrine neoplasia type 2A. Also called: MULTIPLE ENDOCRINE NEOPLASIA, TYPE IIA; PTC SYNDROME; SIPPLE SYNDROME; MEN 2A; MEN-2A syndrome; Pheochromocytoma and amyloid producing medullary thyroid carcinoma. Identifiers: Orphanet 247698, Orphanet 653, MedGen C0025268, MeSH D018813, MONDO:0008234, OMIM 171400.
Hereditary cancer-predisposing syndrome. Also called: Neoplastic Syndromes, Hereditary; Hereditary Cancer Syndrome; Tumor predisposition; Hereditary neoplastic syndrome. Identifiers: Orphanet 140162, MedGen C0027672, MeSH D009386, MONDO:0015356.
Multiple endocrine neoplasia, type 2 (MEN2). Identifiers: Orphanet 653, MedGen C4048306, MONDO:0019003. Disease mechanism: gain of function.

Allele frequency attached by ClinVar (database versions not stated): 1000 Genomes Project 30x 0.00016; 1000 Genomes Project 0.00020; gnomAD exomes 0.00002; ExAC 0.00003; TOPMed 0.00004.
gnomAD v4.1: 8 of 1,612,470 alleles (0.0005%); highest among the groups gnomAD compares: African/African-American, 0.0067%; no homozygotes.

Submissions (4):

Labcorp Genetics (formerly Invitae), Labcorp
Classification: Likely benign for Multiple endocrine neoplasia, type 2. Last evaluated: 2025-10-26. Review status: criteria provided, single submitter. Criteria: Invitae Variant Classification Sherloc (09022015). Collection method: clinical testing. Allele origin: germline.

Myriad Genetics, Inc.
Classification: Benign for Multiple endocrine neoplasia type 2A. Last evaluated: 2025-02-26. Review status: criteria provided, single submitter. Criteria: Myriad Autosomal Dominant, Autosomal Recessive and X-Linked Classification Criteria (2023). Collection method: clinical testing. Allele origin: unknown.
Comment: This variant is considered benign. This variant is a silent/synonymous amino acid change and it is not expected to impact splicing.

All of Us Research Program, National Institutes of Health
Classification: Likely benign for Multiple endocrine neoplasia, type 2. Last evaluated: 2023-11-02. Review status: criteria provided, single submitter. Criteria: ACMG Guidelines, 2015. Collection method: clinical testing. Allele origin: germline. Inheritance: Autosomal dominant inheritance. Observed: 1 variant allele, 1 heterozygote.
Comment: This study involves interpretation of variants in research participants for the purpose of population health screening. Participant phenotype was not available at the time of variant classification. Additional details can be found in publication PMID: 35346344, PMCID: PMC8962531

Ambry Genetics
Classification: Likely benign for Hereditary cancer-predisposing syndrome. Last evaluated: 2018-10-26. Review status: criteria provided, single submitter. Criteria: Ambry Variant Classification Scheme 2023. Collection method: clinical testing. Allele origin: germline.

NM_020975.6(RET):c.2085C>T (p.Pro695=)

Gene: RET (ret proto-oncogene; plus strand). Cytogenetic location: 10q11.21.
Variant type: single nucleotide variant.
Coding change: c.2085C>T on transcript NM_020975.6 (MANE Select); coding-DNA position 2085, C replaced by T.
Protein change: p.Pro695=; no amino-acid change (proline 695 retained).
Molecular consequence: synonymous variant.
Genome position (GRCh38, 1-based): chr10:43,114,685, C>T. VCF-style: chr10-43114685-C-T. GRCh37 (hg19) VCF-style: chr10-43610133-C-T.
Other names: c.2085C>T, p.Pro695= (NM_000323.2, NM_001406743.1, NM_001406744.1 and 4 more transcripts); c.1323C>T, p.Pro441= (NM_001355216.2); c.1956C>T, p.Pro652= (NM_001406761.1, NM_001406762.1, NM_001406764.1); c.1950C>T, p.Pro650= (NM_001406763.1, NM_001406765.1); c.1797C>T, p.Pro599= (NM_001406766.1, NM_001406767.1, NM_001406770.1); c.1821C>T, p.Pro607= (NM_001406768.1); c.1689C>T, p.Pro563= (NM_001406769.1, NM_001406772.1); c.1647C>T, p.Pro549= (NM_001406771.1, NM_001406773.1); and 10 more.
Identifiers: ClinVar variation 543785 (VCV000543785.19), dbSNP rs571603831, ClinGen allele CA037280.